The following is an entry in ClinVar:

ClinVar aggregate classification (germline): Uncertain significance. Review status: criteria provided, multiple submitters, no conflicts (2 of 4 stars). 3 submissions from 3 submitters: Uncertain significance (3). Last evaluated 2024-09-27.

Conditions:
Familial thoracic aortic aneurysm and aortic dissection (TAAD). Also called: Thoracic aortic aneurysms and dissections. Identifiers: Orphanet 91387, MedGen C4707243, MONDO:0019625.
Loeys-Dietz syndrome 2 (LDS2). Also called: Marfan Syndrome type 2; Marfan like connective tissue disorder; MFS 2; TGFBR2-Related Loeys-Dietz Syndrome; AORTIC ANEURYSM, FAMILIAL THORACIC 3; MARFAN SYNDROME, TYPE II. Identifiers: Orphanet 284973, Orphanet 558, MedGen C2674574, MONDO:0012427, OMIM 610168.

Allele frequency attached by ClinVar (database versions not stated): gnomAD exomes 0.00004; TOPMed 0.00008; gnomAD 0.00009.
gnomAD v4.1: 24 of 1,614,068 alleles (0.0015%); highest among the groups gnomAD compares: Admixed American, 0.038%; no homozygotes.

Submissions (3):

Labcorp Genetics (formerly Invitae), Labcorp
Classification: Uncertain significance for Familial thoracic aortic aneurysm and aortic dissection. Last evaluated: 2024-09-27. Review status: criteria provided, single submitter. Criteria: Invitae Variant Classification Sherloc (09022015). Collection method: clinical testing. Allele origin: germline.
Comment: This sequence change replaces serine, which is neutral and polar, with isoleucine, which is neutral and non-polar, at codon 539 of the TGFBR2 protein (p.Ser539Ile). This variant is present in population databases (no rsID available, gnomAD 0.03%). This variant has not been reported in the literature in individuals affected with TGFBR2-related conditions. ClinVar contains an entry for this variant (Variation ID: 836266). Invitae Evidence Modeling of protein sequence and biophysical properties (such as structural, functional, and spatial information, amino acid conservation, physicochemical variation, residue mobility, and thermodynamic stability) has been performed for this missense variant. However, the output from this modeling did not meet the statistical confidence thresholds required to predict the impact of this variant on TGFBR2 protein function. In summary, the available evidence is currently insufficient to determine the role of this variant in disease. Therefore, it has been classified as a Variant of Uncertain Significance.

All of Us Research Program, National Institutes of Health
Classification: Uncertain significance for Loeys-Dietz syndrome 2. Last evaluated: 2024-08-13. Review status: criteria provided, single submitter. Criteria: ACMG Guidelines, 2015. Collection method: clinical testing. Allele origin: germline. Inheritance: Autosomal dominant inheritance. Observed: 2 variant alleles, 2 heterozygotes.
Comment: This missense variant replaces serine with isoleucine at codon 539 of the TGFBR2 protein. Computational prediction suggests that this variant may not impact protein structure and function (internally defined REVEL score threshold <= 0.5, PMID: 27666373). To our knowledge, functional studies have not been reported for this variant. This variant has not been reported in individuals affected with TGFBR2-related disorders in the literature. This variant has been identified in 10/251200 chromosomes in the general population by the Genome Aggregation Database (gnomAD). The available evidence is insufficient to determine the role of this variant in disease conclusively. Therefore, this variant is classified as a Variant of Uncertain Significance.

This study involves interpretation of variants in research participants for the purpose of population health screening. Participant phenotype was not available at the time of variant classification. Additional details can be found in publication PMID: 35346344, PMCID: PMC8962531

Color Diagnostics, LLC DBA Color Health
Classification: Uncertain significance for Familial thoracic aortic aneurysm and aortic dissection. Last evaluated: 2024-07-10. Review status: criteria provided, single submitter. Criteria: ACMG Guidelines, 2015. Collection method: clinical testing. Allele origin: germline.
Comment: This missense variant replaces serine with isoleucine at codon 539 of the TGFBR2 protein. Computational prediction suggests that this variant may not impact protein structure and function. To our knowledge, functional studies have not been reported for this variant. This variant has not been reported in individuals affected with TGFBR2-related disorders in the literature. This variant has been identified in 10/251200 chromosomes in the general population by the Genome Aggregation Database (gnomAD). The available evidence is insufficient to determine the role of this variant in disease conclusively. Therefore, this variant is classified as a Variant of Uncertain Significance.

NM_003242.6(TGFBR2):c.1616G>T (p.Ser539Ile)

Gene: TGFBR2 (transforming growth factor beta receptor 2; plus strand). Cytogenetic location: 3p24.1.
Variant type: single nucleotide variant.
Coding change: c.1616G>T on transcript NM_003242.6 (MANE Select); coding-DNA position 1616, G replaced by T.
Protein change: p.Ser539Ile; replaces serine 539 with isoleucine.
Molecular consequence: missense variant.
Genome position (GRCh38, 1-based): chr3:30,691,511, G>T. VCF-style: chr3-30691511-G-T. GRCh37 (hg19) VCF-style: chr3-30733003-G-T.
Other names: c.1724G>T, p.Ser575Ile (NM_001407127.1); c.1643G>T, p.Ser548Ile (NM_001407128.1); c.1511G>T, p.Ser504Ile (NM_001407133.1, NM_001407134.1, NM_001407135.1 and 2 more transcripts); c.1331G>T, p.Ser444Ile (NM_001407137.1); c.1256G>T, p.Ser419Ile (NM_001407138.1); c.746G>T, p.Ser249Ile (NM_001407139.1); c.1619G>T, p.Ser540Ile (NM_001407129.1); c.1613G>T, p.Ser538Ile (NM_001407130.1); and 2 more; short protein forms S564I, S539I, S249I, S444I, S575I, S540I, S538I, S548I.
Identifiers: ClinVar variation 836266 (VCV000836266.7), dbSNP rs1035228561, ClinGen allele CA71547245.